The following is an entry in ClinVar:

ClinVar aggregate classification (germline): Pathogenic (1 of 4 stars; one submission).

Conditions:
Ehlers-Danlos syndrome, dermatosparaxis type. Also called: EDS VIIC; Dermatosparaxis; Ehlers-Danlos syndrome, type VII, autosomal recessive. Identifiers: Orphanet 1901, MedGen C2700425, MONDO:0009161, OMIM 225410.

Submission:

Myriad Genetics, Inc.
Classification: Pathogenic for Ehlers-Danlos syndrome, dermatosparaxis type. Last evaluated: 2024-05-14. Review status: criteria provided, single submitter. Criteria: Myriad Autosomal Dominant, Autosomal Recessive and X-Linked Classification Criteria (2023). Collection method: clinical testing. Allele origin: unknown.
Comment: NM_014244.4(ADAMTS2):c.24_25ins14(R9Vfs*161) is expected to be pathogenic in the context of Ehlers-Danlos syndrome, ADAMTS2-related. This variant is predicted to lead to an abnormal or absent protein product due to the creation of a premature termination codon in ADAMTS2, a gene where loss-of-function variants are known to be pathogenic. Please note: this variant was assessed in the context of healthy population screening.

NM_014244.5(ADAMTS2):c.24_25insGTCTCTTATACACA (p.Arg9fs)

Gene: ADAMTS2 (ADAM metallopeptidase with thrombospondin type 1 motif 2; minus strand). Cytogenetic location: 5q35.3.
Variant type: Insertion.
Coding change: c.24_25insGTCTCTTATACACA on transcript NM_014244.5 (MANE Select); coding-DNA positions 24 to 25, GTCTCTTATACACA inserted.
Protein change: p.Arg9fs; shifts the reading frame from arginine 9.
Molecular consequence: frameshift variant.
Genome position: GRCh38 VCF-style: chr5-179345304-G-GTGTGTATAAGAGAC. GRCh37 (hg19) VCF-style: chr5-178772305-G-GTGTGTATAAGAGAC.
Other names: c.24_25insGTCTCTTATACACA, p.Arg9fs (NM_021599.4); short protein forms R9fs.
Identifiers: ClinVar variation 5011100 (VCV005011100.1).